The following is an entry in ClinVar:

NM_000516.7(GNAS):c.970+5_970+78del

Gene: GNAS (GNAS complex locus; plus strand). Cytogenetic location: 20q13.32.
Variant type: Deletion.
Coding change: c.970+5_970+78del on transcript NM_000516.7 (MANE Select); bases 5 to 78 of the intron after coding-DNA position 970, 74 bases deleted.
Molecular consequence: intron variant.
Genome position (GRCh38, 1-based): chr20:58,910,086-58,910,159, 74 bases deleted. GRCh37 (hg19): chr20:57,485,141-57,485,214.
Other names: c.*876+5_*876+78del (NM_016592.5); c.874+5_874+78del (NM_001410912.1); c.793+5_793+78del (NM_001309861.2, NM_001439291.1, NM_001309840.2 and 1 more transcripts); c.*831+5_*831+78del (NM_001077490.3); c.2899+5_2899+78del (NM_080425.4); c.2854+5_2854+78del (NM_001410913.1); c.748+5_748+78del (NM_001438273.1, NM_001438274.1, NM_001438275.1); c.973+5_973+78del (NM_001077488.5); and 2 more.
Identifiers: ClinVar variation 4994600 (VCV004994600.1).

ClinVar aggregate classification (germline): Uncertain significance (1 of 4 stars; one submission).

Conditions:
GNAS-related disorder. Identifiers: MedGen CN380105.

Submission:

PreventionGenetics, part of Exact Sciences
Classification: Uncertain significance for GNAS-related condition. Last evaluated: 2025-12-04. Review status: criteria provided, single submitter. Criteria: ACMG Guidelines, 2015. Collection method: clinical testing. Allele origin: germline.
Comment: The GNAS c.970+5_970+78del74 variant is predicted to result in an intronic deletion. To our knowledge, this variant has not been reported in the literature or in a large population database (gnomAD), indicating this variant is rare. This variant is predicted to alter splicing based on available splicing prediction programs (SpliceAI, Jaganathan et al. 2019. PubMed ID: 30661751; Alamut Visual v1.6.1). However, the use of computer prediction programs is not equivalent to functional evidence. At this time, the clinical significance of this variant is uncertain due to the absence of conclusive functional and genetic evidence.